The following is an entry in ClinVar:

NM_001378457.1(DMXL2):c.6016A>C (p.Lys2006Gln)

Gene: DMXL2 (Dmx like 2; minus strand). Cytogenetic location: 15q21.2.
Variant type: single nucleotide variant.
Coding change: c.6016A>C on transcript NM_001378457.1 (MANE Select); coding-DNA position 6016, A replaced by C.
Protein change: p.Lys2006Gln; replaces lysine 2006 with glutamine.
Molecular consequence: missense variant. On other transcripts: non-coding transcript variant (2).
Genome position (GRCh38, 1-based): chr15:51,481,090, T>G on the plus strand (A>C on the coding strand, the complement: DMXL2 is on the minus strand). VCF-style: chr15-51481090-T-G. GRCh37 (hg19) VCF-style: chr15-51773287-T-G.
Other names: c.6016A>C, p.Lys2006Gln (NM_001174116.3, NM_001378458.1, NM_001378459.1 and 4 more transcripts); c.4108A>C, p.Lys1370Gln (NM_001174117.3); c.3997A>C, p.Lys1333Gln (NM_001378460.1); c.5776A>C, p.Lys1926Gln (NM_001378464.1); short protein forms K1370Q, K1333Q, K1926Q, K2006Q.
Identifiers: ClinVar variation 2131608 (VCV002131608.2), dbSNP rs2548447665, ClinGen allele CA392444560.

ClinVar aggregate classification (germline): Uncertain significance (1 of 4 stars; one submission).

Allele frequency attached by ClinVar (database versions not stated): gnomAD exomes below 0.00001.
gnomAD v4.1: 1 of 1,613,634 alleles (0.000062%); highest among the groups gnomAD compares: Non-Finnish European, 0.000085%; no homozygotes.

Submission:

Labcorp Genetics (formerly Invitae), Labcorp
Classification: Uncertain significance. Last evaluated: 2022-04-29. Review status: criteria provided, single submitter. Criteria: Invitae Variant Classification Sherloc (09022015). Collection method: clinical testing. Allele origin: germline.
Comment: Algorithms developed to predict the effect of missense changes on protein structure and function (SIFT, PolyPhen-2, Align-GVGD) all suggest that this variant is likely to be tolerated. In summary, the available evidence is currently insufficient to determine the role of this variant in disease. Therefore, it has been classified as a Variant of Uncertain Significance. This variant has not been reported in the literature in individuals affected with DMXL2-related conditions. This variant is not present in population databases (gnomAD no frequency). This sequence change replaces lysine, which is basic and polar, with glutamine, which is neutral and polar, at codon 2006 of the DMXL2 protein (p.Lys2006Gln).